The following is an entry in ClinVar:

NM_001151.4(SLC25A4):c.469C>A (p.Leu157Met)

Gene: SLC25A4 (solute carrier family 25 member 4; plus strand). Cytogenetic location: 4q35.1.
Variant type: single nucleotide variant.
Coding change: c.469C>A on transcript NM_001151.4 (MANE Select); coding-DNA position 469, C replaced by A.
Protein change: p.Leu157Met; replaces leucine 157 with methionine.
Molecular consequence: missense variant.
Genome position (GRCh38, 1-based): chr4:185,145,121, C>A. VCF-style: chr4-185145121-C-A. GRCh37 (hg19) VCF-style: chr4-186066275-C-A.
Other names: short protein forms L157M.
Identifiers: ClinVar variation 2107999 (VCV002107999.4), dbSNP rs2477169589, ClinGen allele CA358896689.
Genomic context (GRCh38, chr4:185,145,121, plus strand): 5'-GCTAGGACCAGGTTGGCTGCTGATGTGGGCAAGGGCGCCGCCCAGCGTGAGTTCCATGGT[C>A]TGGGCGACTGTATCATCAAGATCTTCAAGTCTGATGGCCTGAGGGGGCTCTACCAGGGTT-3'
Protein context (NP_001142.2, residues 147-167): KGAAQREFHG[Leu157Met]GDCIIKIFKS

ClinVar aggregate classification (germline): Uncertain significance (1 of 4 stars; one submission).

Submission:

Labcorp Genetics (formerly Invitae), Labcorp
Classification: Uncertain significance. Last evaluated: 2022-03-09. Review status: criteria provided, single submitter. Criteria: Invitae Variant Classification Sherloc (09022015). Collection method: clinical testing. Allele origin: germline.
Comment: This sequence change replaces leucine, which is neutral and non-polar, with methionine, which is neutral and non-polar, at codon 157 of the SLC25A4 protein (p.Leu157Met). This variant is not present in population databases (gnomAD no frequency). This variant has not been reported in the literature in individuals affected with SLC25A4-related conditions. Algorithms developed to predict the effect of missense changes on protein structure and function are either unavailable or do not agree on the potential impact of this missense change (SIFT: "Tolerated"; PolyPhen-2: "Probably Damaging"; Align-GVGD: "Class C0"). In summary, the available evidence is currently insufficient to determine the role of this variant in disease. Therefore, it has been classified as a Variant of Uncertain Significance.